The following is an entry in ClinVar:

NM_012120.3(CD2AP):c.1177A>G (p.Thr393Ala)

Gene: CD2AP (CD2 associated protein; plus strand). Cytogenetic location: 6p12.3.
Variant type: single nucleotide variant.
Coding change: c.1177A>G on transcript NM_012120.3 (MANE Select); coding-DNA position 1177, A replaced by G.
Protein change: p.Thr393Ala; replaces threonine 393 with alanine.
Molecular consequence: missense variant.
Genome position (GRCh38, 1-based): chr6:47,595,929, A>G. VCF-style: chr6-47595929-A-G. GRCh37 (hg19) VCF-style: chr6-47563665-A-G.
Other names: short protein forms T393A.
Identifiers: ClinVar variation 4698025 (VCV004698025.1).
Genomic context (GRCh38, chr6:47,595,929, plus strand): 5'-TCAACACTGGAACAGAAACCTTCTAAACCAGCAGCTCCACAAGTCCCACCCAAGAAACCT[A>G]CTCCACCTACCAAAGCCAGTAATTTACTGAGATCTTCTGGAACAGTGTACCCAAAGCGAC-3'
Protein context (NP_036252.1, residues 383-403): AAPQVPPKKP[Thr393Ala]PPTKASNLLR

ClinVar aggregate classification (germline): Uncertain significance (1 of 4 stars; one submission).

gnomAD v4.1: 5 of 1,612,676 alleles (0.00031%); highest among the groups gnomAD compares: Admixed American, 0.0017%; no homozygotes.

Submission:

Labcorp Genetics (formerly Invitae), Labcorp
Classification: Uncertain significance. Last evaluated: 2025-12-01. Review status: criteria provided, single submitter. Criteria: Invitae Variant Classification Sherloc (09022015). Collection method: clinical testing. Allele origin: germline.
Comment: This sequence change replaces threonine, which is neutral and polar, with alanine, which is neutral and non-polar, at codon 393 of the CD2AP protein (p.Thr393Ala). This variant is present in population databases (no rsID available, gnomAD 0.003%). This variant has not been reported in the literature in individuals affected with CD2AP-related conditions. Invitae Evidence Modeling of protein sequence and biophysical properties (such as structural, functional, and spatial information, amino acid conservation, physicochemical variation, residue mobility, and thermodynamic stability) indicates that this missense variant is not expected to disrupt CD2AP protein function with a negative predictive value of 80%. In summary, the available evidence is currently insufficient to determine the role of this variant in disease. Therefore, it has been classified as a Variant of Uncertain Significance.